The following is an entry in ClinVar:

ClinVar aggregate classification (germline): Uncertain significance (0 of 4 stars; one submission).

Conditions:
ODAD4-related disorder. Also called: ODAD4-related condition.

Submission:

PreventionGenetics, part of Exact Sciences
Classification: Uncertain significance for ODAD4-related condition. Last evaluated: 2024-02-26. Review status: no assertion criteria provided. Collection method: clinical testing. Allele origin: germline.
Comment: The ODAD4 c.1918G>A variant is predicted to result in the amino acid substitution p.Glu640Lys. To our knowledge, this variant has not been reported in the literature or in a large population database, indicating this variant is rare. At this time, the clinical significance of this variant is uncertain due to the absence of conclusive functional and genetic evidence.

NM_031421.5(ODAD4):c.1918G>A (p.Glu640Lys)

Gene: ODAD4 (outer dynein arm docking complex subunit 4; plus strand). Cytogenetic location: 17q21.2.
Variant type: single nucleotide variant.
Coding change: c.1918G>A on transcript NM_031421.5 (MANE Select); coding-DNA position 1918, G replaced by A.
Protein change: p.Glu640Lys; replaces glutamic acid 640 with lysine.
Molecular consequence: missense variant. On other transcripts: 3 prime UTR variant (1), non-coding transcript variant (3).
Genome position (GRCh38, 1-based): chr17:41,965,382, G>A. VCF-style: chr17-41965382-G-A. GRCh37 (hg19) VCF-style: chr17-40117400-G-A.
Other names: c.*374G>A (NM_001350319.2); short protein forms E640K.
Identifiers: ClinVar variation 3061125 (VCV003061125.2), dbSNP rs2544744423, ClinGen allele CA399539809.